The following is an entry in ClinVar:

ClinVar aggregate classification (germline): Likely pathogenic (1 of 4 stars; one submission).

Conditions:
Mucopolysaccharidosis, MPS-IV-B (MPS4B). Also called: MORQUIO SYNDROME B; Mucopolysaccharidosis type 4B; Mucopolysaccharidosis type IVB (Morquio); MPS IVB; Mucopolysaccharidosis type IV B; Mucopolysaccharidosis Type IVB. Identifiers: Orphanet 309310, Orphanet 582, MedGen C0086652, MONDO:0009660, OMIM 253010.

Submission:

Natera, Inc.
Classification: Likely pathogenic for Mucopolysaccharidosis, MPS-IV-B. Last evaluated: 2025-03-29. Review status: criteria provided, single submitter. Criteria: Natera Variant Classification Schema (03/2026). Collection method: clinical testing. Allele origin: germline.
Comment: The c.1233+1G>T variant in GLB1 is a canonical splice donor site variant predicted to affect pre-mRNA splicing, which may result in an abnormal transcript and altered protein product. This variant may result in a truncated or dysfunctional protein product. This variant is rare in the general population with a frequency below the threshold expected for the associated phenotype(s). This variant has been observed in one or more individuals affected with the associated recessive disease, as either homozygous or compound heterozygous with a second variant (PMID: 31761138). Additionally, this variant has been observed to segregate in affected family members (PMID: 31761138). Given the available evidence, this variant is classified as Likely Pathogenic.

Literature cited by the submitters: PubMed 31761138.

NM_000404.4(GLB1):c.1233+1G>T

Gene: GLB1 (galactosidase beta 1; minus strand). Cytogenetic location: 3p22.3.
Variant type: single nucleotide variant.
Coding change: c.1233+1G>T on transcript NM_000404.4 (MANE Select); the canonical splice donor site of the intron after coding-DNA position 1233, G replaced by T.
Molecular consequence: splice donor variant.
Genome position (GRCh38, 1-based): chr3:33,021,565, C>A on the plus strand (G>T on the coding strand, the complement: GLB1 is on the minus strand). VCF-style: chr3-33021565-C-A. GRCh37 (hg19) VCF-style: chr3-33063057-C-A.
Other names: c.1233+1G>T (NM_001393580.1); c.840+1G>T (NM_001135602.3); c.1377+1G>T (NM_001317040.2); c.1143+1G>T (NM_001079811.3).
Identifiers: ClinVar variation 4818310 (VCV004818310.1).